The following is an entry in ClinVar:

NM_000421.5(KRT10):c.1606GGC[3] (p.Gly539_Gly541del)

Gene: KRT10 (keratin 10; minus strand). Cytogenetic location: 17q21.2.
Variant type: Microsatellite.
Coding change: c.1606GGC[3] on transcript NM_000421.5 (MANE Select); three copies in a row of the 3-base unit GGC starting at c.1606; the reference has six copies in a row; three copies, 9 bases deleted.
Protein change: p.Gly539_Gly541del.
Genome position (GRCh38, 1-based): chr17:40,818,912-40,818,920, GCCGCCGCC deleted on the plus strand (GGCGGCGGC on the coding strand, the reverse complement: KRT10 is on the minus strand); deleting any 9 consecutive bases within chr17:40,818,912-40,818,930 gives the same sequence; the position shown is the placement nearest the transcript's 3' end. VCF-style (leftmost placement, unchanged base first): chr17-40818911-AGCCGCCGCC-A. GRCh37 (hg19) VCF-style: chr17-38975163-AGCCGCCGCC-A.
Other names: c.1606GGC[3], p.Gly539_Gly541del (NM_001379366.1).
Identifiers: ClinVar variation 3052674 (VCV003052674.2), dbSNP rs759327325, ClinGen allele CA8547945.
Genomic context (GRCh38, chr17:40,818,911, plus strand): 5'-AGCTGCCGCCGCCGTATCCGCCGCCGGAGCTGCTGCCGCCGCCGGAGCTGCCGCCCCCGT[AGCCGCCGCC>A]GCCGCCGCCGGAACTGCCACCACCGTAGCCGCCGCTGGAACTGCCGCCGTGGCCGCCGCT-3'

ClinVar aggregate classification (germline): Benign (0 of 4 stars; one submission).

Conditions:
KRT10-related disorder. Also called: KRT10-related condition.

Submission:

PreventionGenetics, part of Exact Sciences
Classification: Benign for KRT10-related condition. Last evaluated: 2019-08-29. Review status: no assertion criteria provided. Collection method: clinical testing. Allele origin: germline.
Comment: This variant is classified as benign based on ACMG/AMP sequence variant interpretation guidelines (Richards et al. 2015 PMID: 25741868, with internal and published modifications).